The following is an entry in ClinVar:

ClinVar aggregate classification (germline): Uncertain significance (0 of 4 stars; one submission).

Conditions:
BBS5-related disorder. Also called: BBS5-related condition.

Submission:

PreventionGenetics, part of Exact Sciences
Classification: Uncertain significance for BBS5-related condition. Last evaluated: 2024-05-23. Review status: no assertion criteria provided. Collection method: clinical testing. Allele origin: germline.
Comment: The BBS5 c.419T>G variant is predicted to result in the amino acid substitution p.Phe140Cys. To our knowledge, this variant has not been reported in the literature or in a large population database, indicating this variant is rare. At this time, the clinical significance of this variant is uncertain due to the absence of conclusive functional and genetic evidence.

NM_152384.3(BBS5):c.419T>G (p.Phe140Cys)

Gene: BBS5 (Bardet-Biedl syndrome 5; plus strand). Cytogenetic location: 2q31.1.
Variant type: single nucleotide variant.
Coding change: c.419T>G on transcript NM_152384.3 (MANE Select); coding-DNA position 419, T replaced by G.
Protein change: p.Phe140Cys; replaces phenylalanine 140 with cysteine.
Molecular consequence: missense variant.
Genome position (GRCh38, 1-based): chr2:169,492,906, T>G. VCF-style: chr2-169492906-T-G. GRCh37 (hg19) VCF-style: chr2-170349416-T-G.
Other names: short protein forms F140C.
Identifiers: ClinVar variation 3345430 (VCV003345430.1).